The following is an entry in ClinVar:

NM_006005.3(WFS1):c.2411T>C (p.Leu804Pro)

Gene: WFS1 (wolframin ER transmembrane glycoprotein; plus strand). Cytogenetic location: 4p16.1.
Variant type: single nucleotide variant.
Coding change: c.2411T>C on transcript NM_006005.3 (MANE Select); coding-DNA position 2411, T replaced by C.
Protein change: p.Leu804Pro; replaces leucine 804 with proline.
Molecular consequence: missense variant.
Genome position (GRCh38, 1-based): chr4:6,302,206, T>C. VCF-style: chr4-6302206-T-C. GRCh37 (hg19) VCF-style: chr4-6303933-T-C.
Other names: c.2411T>C, p.Leu804Pro (NM_001145853.1); short protein forms L804P.
Identifiers: ClinVar variation 430096 (VCV000430096.3), dbSNP rs1131691778, ClinGen allele CA356178530.

ClinVar aggregate classification (germline): Likely pathogenic. Review status: criteria provided, multiple submitters, no conflicts (2 of 4 stars). 2 submissions from 2 submitters: Likely pathogenic (2). Last evaluated 2016-02-18.

Conditions:
Autosomal dominant nonsyndromic hearing loss 6 (LFSNHL). Also called: DEAFNESS, AUTOSOMAL DOMINANT 14; DEAFNESS, AUTOSOMAL DOMINANT 38; Autosomal dominant nonsyndromic deafness 6; DIDMOAD (Diabetes Insipidus, Diabetes Mellitus, Optic Atrophy, and Deafness); DEAFNESS, AUTOSOMAL DOMINANT 6. Identifiers: Orphanet 90635, MedGen C1833021, MONDO:0010963, OMIM 600965.

Submissions (2):

GeneDx
Classification: Likely pathogenic. Last evaluated: 2016-02-18. Review status: criteria provided, single submitter. Criteria: GeneDx Variant Classification (06012015). Collection method: clinical testing. Allele origin: germline. Affected: yes.
Comment: The L804P variant has previously been reported in an individual with Wolfram syndrome who was homozygous for L804P (Xu et al., 2013). This individual's unaffected parents and sibling were heterozygous for L804P (Xu et al., 2013). The L804P variant was not observed in approximately 6,500 individuals of European and African American ancestry in the NHLBI Exome Sequencing Project, indicating it is not a common benign variant in these populations. The L804P variant is a semi-conservative amino acid substitution, which may impact secondary protein structure as these residues differ in some properties. This substitution occurs at a position that is conserved across species and in silico analysis predicts this variant is probably damaging to the protein structure/function. Missense variants in nearby residues (A806P, S807R, E809K) have been reported in the Human Gene Mutation Database as pathogenic variants (Stenson et al., 2014), supporting the functional importance of this region of the protein. Therefore, we interpret L804P to be a likely pathogenic variant.

Rady Children's Institute for Genomic Medicine, Rady Children's Hospital San Diego
Classification: Likely pathogenic for WFS1-Related Disorders. Review status: criteria provided, single submitter. Criteria: ACMG Guidelines, 2015. Collection method: clinical testing. Allele origin: germline. Affected: yes.
Comment: This variant has been previously reported in the homozygous state in a patient with Wolfram syndrome and in the heterozygous state in the unaffected parents and sibling (PMID: 23338790). Missense variation, including alterations at residues nearby the p.Leu804, has been reported in individuals with WFS1-related disorders (HGMD Database, ClinVar). The c.2411T>C (p.Leu804Pro) variant is absent from the gnomAD population database and thus is presumed to be rare. Based on the available evidence, the c.2411T>C (p.Leu804Pro) variant is classified as Likely Pathogenic.